The following is an entry in ClinVar:

NM_001291303.3(FAT4):c.6148A>G (p.Thr2050Ala)

Gene: FAT4 (FAT atypical cadherin 4; plus strand). Cytogenetic location: 4q28.1.
Variant type: single nucleotide variant.
Coding change: c.6148A>G on transcript NM_001291303.3 (MANE Select); coding-DNA position 6148, A replaced by G.
Protein change: p.Thr2050Ala; replaces threonine 2050 with alanine.
Molecular consequence: missense variant.
Genome position (GRCh38, 1-based): chr4:125,415,111, A>G. VCF-style: chr4-125415111-A-G. GRCh37 (hg19) VCF-style: chr4-126336266-A-G.
Other names: c.6148A>G, p.Thr2050Ala (NM_001291285.3, NM_024582.6); short protein forms T2050A.
Identifiers: ClinVar variation 2973429 (VCV002973429.3), dbSNP rs751891444, ClinGen allele CA3072875.

ClinVar aggregate classification (germline): Uncertain significance (1 of 4 stars; one submission).

Allele frequency attached by ClinVar (database versions not stated): gnomAD 0.00001; TOPMed 0.00001; ExAC 0.00010.
gnomAD v4.1: 57 of 1,614,024 alleles (0.0035%); highest among the groups gnomAD compares: South Asian, 0.051%; 1 homozygote.

Submission:

Labcorp Genetics (formerly Invitae), Labcorp
Classification: Uncertain significance. Last evaluated: 2025-03-25. Review status: criteria provided, single submitter. Criteria: Invitae Variant Classification Sherloc (09022015). Collection method: clinical testing. Allele origin: germline.
Comment: This sequence change replaces threonine, which is neutral and polar, with alanine, which is neutral and non-polar, at codon 2050 of the FAT4 protein (p.Thr2050Ala). This variant is present in population databases (rs751891444, gnomAD 0.05%). This variant has not been reported in the literature in individuals affected with FAT4-related conditions. ClinVar contains an entry for this variant (Variation ID: 2973429). An algorithm developed to predict the effect of missense changes on protein structure and function outputs the following: PolyPhen-2: "Benign". The alanine amino acid residue is found in multiple mammalian species, which suggests that this missense change does not adversely affect protein function. In summary, the available evidence is currently insufficient to determine the role of this variant in disease. Therefore, it has been classified as a Variant of Uncertain Significance.